The following is an entry in ClinVar:

NM_004304.5(ALK):c.794A>T (p.Glu265Val)

Gene: ALK (ALK receptor tyrosine kinase; minus strand). Cytogenetic location: 2p23.2.
Variant type: single nucleotide variant.
Coding change: c.794A>T on transcript NM_004304.5 (MANE Select); coding-DNA position 794, A replaced by T.
Protein change: p.Glu265Val; replaces glutamic acid 265 with valine.
Molecular consequence: missense variant.
Genome position (GRCh38, 1-based): chr2:29,695,008, T>A on the plus strand (A>T on the coding strand, the complement: ALK is on the minus strand). VCF-style: chr2-29695008-T-A. GRCh37 (hg19) VCF-style: chr2-29917874-T-A.
Other names: short protein forms E265V.
Identifiers: ClinVar variation 3524596 (VCV003524596.1).

ClinVar aggregate classification (germline): Uncertain significance (1 of 4 stars; one submission).

Conditions:
Hereditary cancer-predisposing syndrome. Also called: Hereditary Cancer Syndrome; Hereditary neoplastic syndrome; Tumor predisposition; Neoplastic Syndromes, Hereditary. Identifiers: Orphanet 140162, MedGen C0027672, MeSH D009386, MONDO:0015356.

gnomAD v4.1: 1 of 1,613,998 alleles (0.000062%); highest among the groups gnomAD compares: Non-Finnish European, 0.000085%; no homozygotes.

Submission:

Ambry Genetics
Classification: Uncertain significance for Hereditary cancer-predisposing syndrome. Last evaluated: 2024-09-08. Review status: criteria provided, single submitter. Criteria: Ambry Variant Classification Scheme 2023. Collection method: clinical testing. Allele origin: germline.
Comment: The p.E265V variant (also known as c.794A>T), located in coding exon 3 of the ALK gene, results from an A to T substitution at nucleotide position 794. The glutamic acid at codon 265 is replaced by valine, an amino acid with dissimilar properties. This amino acid position is conserved. In addition, this alteration is predicted to be tolerated by in silico analysis. Based on the available evidence, the clinical significance of this variant remains unclear.